The following is an entry in ClinVar:

ClinVar aggregate classification (germline): Uncertain significance (1 of 4 stars; one submission).

Submission:

Ambry Genetics
Classification: Uncertain significance. Last evaluated: 2023-11-08. Review status: criteria provided, single submitter. Criteria: Ambry Variant Classification Scheme 2023. Collection method: clinical testing. Allele origin: germline.
Comment: The p.K520R variant (also known as c.1559A>G), located in coding exon 15 of the PRKDC gene, results from an A to G substitution at nucleotide position 1559. The lysine at codon 520 is replaced by arginine, an amino acid with highly similar properties. This amino acid position is conserved. In addition, this alteration is predicted to be tolerated by in silico analysis. Since supporting evidence is limited at this time, the clinical significance of this alteration remains unclear.

NM_006904.7(PRKDC):c.1559A>G (p.Lys520Arg)

Gene: PRKDC (protein kinase, DNA-activated, catalytic subunit; minus strand). Cytogenetic location: 8q11.21.
Variant type: single nucleotide variant.
Coding change: c.1559A>G on transcript NM_006904.7 (MANE Select); coding-DNA position 1559, A replaced by G.
Protein change: p.Lys520Arg; replaces lysine 520 with arginine.
Molecular consequence: missense variant.
Genome position (GRCh38, 1-based): chr8:47,934,029, T>C on the plus strand (A>G on the coding strand, the complement: PRKDC is on the minus strand). VCF-style: chr8-47934029-T-C. GRCh37 (hg19) VCF-style: chr8-48846589-T-C.
Other names: c.1559A>G, p.Lys520Arg (NM_001081640.2); short protein forms K520R.
Identifiers: ClinVar variation 3225753 (VCV003225753.1), dbSNP rs2551879194, ClinGen allele CA371165384.